The following is an entry in ClinVar:

NM_016239.4(MYO15A):c.10542T>C (p.Ser3514=)

Gene: MYO15A (myosin XVA; plus strand). Cytogenetic location: 17p11.2.
Variant type: single nucleotide variant.
Coding change: c.10542T>C on transcript NM_016239.4 (MANE Select); coding-DNA position 10542, T replaced by C.
Protein change: p.Ser3514=; no amino-acid change (serine 3514 retained).
Molecular consequence: synonymous variant.
Genome position (GRCh38, 1-based): chr17:18,178,819, T>C. VCF-style: chr17-18178819-T-C. GRCh37 (hg19) VCF-style: chr17-18082133-T-C.
Identifiers: ClinVar variation 2898916 (VCV002898916.5), dbSNP rs943010939, ClinGen allele CA288423893.

ClinVar aggregate classification (germline): Conflicting classifications of pathogenicity. Review status: criteria provided, conflicting classifications (1 of 4 stars). 2 submissions from 2 submitters: Uncertain significance (1); Likely benign (1). Last evaluated 2026-06-01.

Allele frequency attached by ClinVar (database versions not stated): TOPMed below 0.00001; gnomAD exomes 0.00002.
gnomAD v4.1: 31 of 1,613,924 alleles (0.0019%); highest among the groups gnomAD compares: Non-Finnish European, 0.0026%; no homozygotes.

Submissions (2):

CeGaT Center for Human Genetics Tuebingen
Classification: Uncertain significance. Last evaluated: 2026-06-01. Review status: criteria provided, single submitter. Criteria: CeGaT Center For Human Genetics Tuebingen Variant Classification Criteria Version 2. Collection method: clinical testing. Allele origin: germline. Affected: yes. Observed: 1 variant allele.
Comment: MYO15A: PM2

Labcorp Genetics (formerly Invitae), Labcorp
Classification: Likely benign. Last evaluated: 2023-04-07. Review status: criteria provided, single submitter. Criteria: Invitae Variant Classification Sherloc (09022015). Collection method: clinical testing. Allele origin: germline.